The following is an entry in ClinVar:

NM_001206927.2(DNAH8):c.5571_5571+2del

Gene: DNAH8 (dynein axonemal heavy chain 8; plus strand). Cytogenetic location: 6p21.2.
Variant type: Microsatellite.
Coding change: c.5571_5571+2del on transcript NM_001206927.2 (MANE Select); coding-DNA position 5571 through the canonical splice donor site of the intron after coding-DNA position 5571, 3 bases deleted (TGT; older notation c.5571_5571+2delTGT).
Molecular consequence: splice donor variant.
Genome position (GRCh38, 1-based): chr6:38,852,798-38,852,800, TGT deleted; deleting any 3 consecutive bases within chr6:38,852,794-38,852,800 gives the same sequence; the c. name uses the placement nearest the transcript's 3' end. VCF-style (leftmost placement, unchanged base first): chr6-38852793-ATTG-A. GRCh37 (hg19) VCF-style: chr6-38820569-ATTG-A.
Other names: c.4920_4920+2del (NM_001371.4).
Identifiers: ClinVar variation 2088206 (VCV002088206.3), dbSNP rs777057945, ClinGen allele CA3789412.

ClinVar aggregate classification (germline): Uncertain significance (1 of 4 stars; one submission).

Conditions:
Primary ciliary dyskinesia. Also called: Ciliary dyskinesia. Identifiers: Orphanet 244, MedGen C0008780, MONDO:0016575, HP:0012265.

Submission:

Labcorp Genetics (formerly Invitae), Labcorp
Classification: Uncertain significance for Primary ciliary dyskinesia. Last evaluated: 2022-01-20. Review status: criteria provided, single submitter. Criteria: Invitae Variant Classification Sherloc (09022015). Collection method: clinical testing. Allele origin: germline.
Comment: Algorithms developed to predict the effect of sequence changes on RNA splicing suggest that this variant may disrupt the consensus splice site. In summary, the available evidence is currently insufficient to determine the role of this variant in disease. Therefore, it has been classified as a Variant of Uncertain Significance. Experimental studies and prediction algorithms are not available or were not evaluated, and the functional significance of this variant is currently unknown. This variant, c.5569_5571del, results in the deletion of 1 amino acid(s) of the DNAH8 protein (p.Val1857del), but otherwise preserves the integrity of the reading frame. This variant is present in population databases (rs777057945, gnomAD 0.1%). This variant has not been reported in the literature in individuals affected with DNAH8-related conditions.